The following is an entry in ClinVar:

NM_001277115.2(DNAH11):c.2143C>T (p.Leu715Phe)

Gene: DNAH11 (dynein axonemal heavy chain 11; plus strand). Cytogenetic location: 7p15.3.
Variant type: single nucleotide variant.
Coding change: c.2143C>T on transcript NM_001277115.2 (MANE Select); coding-DNA position 2143, C replaced by T.
Protein change: p.Leu715Phe; replaces leucine 715 with phenylalanine.
Molecular consequence: missense variant.
Genome position (GRCh38, 1-based): chr7:21,589,377, C>T. VCF-style: chr7-21589377-C-T. GRCh37 (hg19) VCF-style: chr7-21628995-C-T.
Other names: short protein forms L715F.
Identifiers: ClinVar variation 1371964 (VCV001371964.6), dbSNP rs2128443046, ClinGen allele CA366941105.

ClinVar aggregate classification (germline): Uncertain significance (1 of 4 stars; one submission).

Conditions:
Primary ciliary dyskinesia. Also called: Ciliary dyskinesia. Identifiers: Orphanet 244, MedGen C0008780, MONDO:0016575, HP:0012265.

Submission:

Labcorp Genetics (formerly Invitae), Labcorp
Classification: Uncertain significance for Primary ciliary dyskinesia. Last evaluated: 2021-08-02. Review status: criteria provided, single submitter. Criteria: Invitae Variant Classification Sherloc (09022015). Collection method: clinical testing. Allele origin: germline.
Comment: In summary, the available evidence is currently insufficient to determine the role of this variant in disease. Therefore, it has been classified as a Variant of Uncertain Significance. Advanced modeling of protein sequence and biophysical properties (such as structural, functional, and spatial information, amino acid conservation, physicochemical variation, residue mobility, and thermodynamic stability) performed at Invitae indicates that this missense variant is not expected to disrupt DNAH11 protein function. This sequence change replaces leucine with phenylalanine at codon 715 of the DNAH11 protein (p.Leu715Phe). The leucine residue is moderately conserved and there is a small physicochemical difference between leucine and phenylalanine. This variant is not present in population databases (ExAC no frequency). This variant has not been reported in the literature in individuals affected with DNAH11-related conditions.